The following is an entry in ClinVar:

ClinVar aggregate classification (germline): Uncertain significance (1 of 4 stars; one submission).

Submission:

Labcorp Genetics (formerly Invitae), Labcorp
Classification: Uncertain significance. Last evaluated: 2022-09-07. Review status: criteria provided, single submitter. Criteria: Invitae Variant Classification Sherloc (09022015). Collection method: clinical testing. Allele origin: germline.
Comment: A copy number gain of the genomic region encompassing the full coding sequence of the TTPA gene has been identified. The boundaries of this event are unknown as they extend beyond the assayed region for this gene and therefore may encompass additional genes. As the precise location of this event is unknown, it may be in tandem or it may be located elsewhere in the genome. This variant has not been reported in the literature in individuals affected with TTPA-related conditions. In summary, the available evidence is currently insufficient to determine the role of this variant in disease. Therefore, it has been classified as a Variant of Uncertain Significance.

NC_000008.10:g.(?_63973811)_(63998581_?)dup

Gene: TTPA (alpha tocopherol transfer protein; minus strand). Cytogenetic location: 8q12.3.
Variant type: Duplication.
Identifiers: ClinVar variation 2422972 (VCV002422972.4).